The following is an entry in ClinVar:

NM_004817.4(TJP2):c.2708A>C (p.Tyr903Ser)

Gene: TJP2 (tight junction protein 2; plus strand). Cytogenetic location: 9q21.11.
Variant type: single nucleotide variant.
Coding change: c.2708A>C on transcript NM_004817.4 (MANE Select); coding-DNA position 2708, A replaced by C.
Protein change: p.Tyr903Ser; replaces tyrosine 903 with serine.
Molecular consequence: missense variant. On other transcripts: intron variant (1).
Genome position (GRCh38, 1-based): chr9:69,248,052, A>C. VCF-style: chr9-69248052-A-C. GRCh37 (hg19) VCF-style: chr9-71862968-A-C.
Other names: c.2639A>C, p.Tyr880Ser (NM_001170414.2, NM_001369871.1); c.2720A>C, p.Tyr907Ser (NM_001170415.1, NM_001369874.1, NM_001369875.1); c.2801A>C, p.Tyr934Ser (NM_001170416.2); c.2633A>C, p.Tyr878Ser (NM_001369870.1); c.2708A>C, p.Tyr903Ser (NM_001369872.1, NM_201629.3); c.2667+1262A>C (NM_001369873.1); short protein forms Y878S, Y880S, Y903S, Y907S, Y934S.
Identifiers: ClinVar variation 1064878 (VCV001064878.9), dbSNP rs775354216, ClinGen allele CA5073756.

ClinVar aggregate classification (germline): Uncertain significance. Review status: criteria provided, multiple submitters, no conflicts (2 of 4 stars). 4 submissions from 4 submitters: Uncertain significance (4). Last evaluated 2025-02-26.

Conditions:
Hearing impairment. Also called: Impaired Hearing. Identifiers: MedGen C1384666, MONDO:0005365, HP:0000365.

Allele frequency attached by ClinVar (database versions not stated): gnomAD 0.00003; ExAC 0.00002.
gnomAD v4.1: 37 of 1,613,712 alleles (0.0023%); highest among the groups gnomAD compares: Non-Finnish European, 0.0031%; no homozygotes.

Submissions (4):

Labcorp Genetics (formerly Invitae), Labcorp
Classification: Uncertain significance. Last evaluated: 2025-02-26. Review status: criteria provided, single submitter. Criteria: Invitae Variant Classification Sherloc (09022015). Collection method: clinical testing. Allele origin: germline.
Comment: This sequence change replaces tyrosine, which is neutral and polar, with serine, which is neutral and polar, at codon 903 of the TJP2 protein (p.Tyr903Ser). This variant is present in population databases (rs775354216, gnomAD 0.005%). This variant has not been reported in the literature in individuals affected with TJP2-related conditions. ClinVar contains an entry for this variant (Variation ID: 1064878). Invitae Evidence Modeling of protein sequence and biophysical properties (such as structural, functional, and spatial information, amino acid conservation, physicochemical variation, residue mobility, and thermodynamic stability) indicates that this missense variant is expected to disrupt TJP2 protein function with a positive predictive value of 80%. In summary, the available evidence is currently insufficient to determine the role of this variant in disease. Therefore, it has been classified as a Variant of Uncertain Significance.

Blueprint Genetics
Classification: Uncertain significance. Last evaluated: 2024-01-12. Review status: criteria provided, single submitter. Criteria: ACMG Guidelines, 2015. Collection method: clinical testing. Allele origin: germline.

GeneDx
Classification: Uncertain significance. Last evaluated: 2023-11-01. Review status: criteria provided, single submitter. Criteria: GeneDx Variant Classification Process June 2021. Collection method: clinical testing. Allele origin: germline. Affected: yes.
Comment: In silico analysis, which includes protein predictors and evolutionary conservation, supports a deleterious effect; Has not been previously published as pathogenic or benign to our knowledge

Department of Otolaryngology – Head & Neck Surgery, Cochlear Implant Center
Classification: Uncertain significance for Hearing impairment. Last evaluated: 2021-04-12. Review status: criteria provided, single submitter. Criteria: ClinGen HL ACMG Specifications v1. Collection method: clinical testing. Allele origin: germline. Affected: yes.
Comment: PM2_Moderate, PP3_Supporting, BP5_Supporting